The following is an entry in ClinVar:

ClinVar aggregate classification (germline): Uncertain significance. Review status: criteria provided, multiple submitters, no conflicts (2 of 4 stars). 5 submissions from 5 submitters: Uncertain significance (5). Last evaluated 2026-08-25.

Conditions:
Cardiovascular phenotype. Identifiers: MedGen CN230736.
Catecholaminergic polymorphic ventricular tachycardia (CVPT). Also called: Catecholamine-induced polymorphic ventricular tachycardia. Identifiers: Orphanet 3286, MedGen C5574922, MONDO:0017990.
Catecholaminergic polymorphic ventricular tachycardia 1. Also called: VENTRICULAR TACHYCARDIA, STRESS-INDUCED POLYMORPHIC 1; VENTRICULAR TACHYCARDIA, CATECHOLAMINERGIC POLYMORPHIC, 1, WITH OR WITHOUT ATRIAL DYSFUNCTION AND/OR DILATED CARDIOMYOPATHY; RYR2-Related Catecholaminergic Polymorphic Ventricular Tachycardia. Identifiers: Orphanet 3286, MedGen C1631597, MONDO:0011484, OMIM 604772.
Cardiomyopathy (CMYO). Also called: Cardiomyopathies. Identifiers: Orphanet 167848, MedGen C0878544, MONDO:0004994, HP:0001638. Inheritance: Various modes of inheritance.
Arrhythmogenic right ventricular dysplasia 2. Identifiers: MedGen C1832931.

Allele frequency attached by ClinVar (database versions not stated): TOPMed below 0.00001; gnomAD 0.00001; gnomAD exomes below 0.00001 and 0.00001.
gnomAD v4.1: 6 of 1,610,356 alleles (0.00037%); highest among the groups gnomAD compares: Non-Finnish European, 0.00051%; no homozygotes.

Submissions (5):

Ambry Genetics
Classification: Uncertain significance for Cardiovascular phenotype. Last evaluated: 2026-08-25. Review status: criteria provided, single submitter. Criteria: Ambry Variant Classification Scheme 2023. Collection method: clinical testing. Allele origin: germline.

Labcorp Genetics (formerly Invitae), Labcorp
Classification: Uncertain significance for Catecholaminergic polymorphic ventricular tachycardia 1. Last evaluated: 2025-11-09. Review status: criteria provided, single submitter. Criteria: Invitae Variant Classification Sherloc (09022015). Collection method: clinical testing. Allele origin: germline.
Comment: This sequence change replaces leucine, which is neutral and non-polar, with serine, which is neutral and polar, at codon 2676 of the RYR2 protein (p.Leu2676Ser). This variant is present in population databases (no rsID available, gnomAD 0.0009%). This variant has not been reported in the literature in individuals affected with RYR2-related conditions. ClinVar contains an entry for this variant (Variation ID: 834415). Invitae Evidence Modeling of protein sequence and biophysical properties (such as structural, functional, and spatial information, amino acid conservation, physicochemical variation, residue mobility, and thermodynamic stability) indicates that this missense variant is expected to disrupt RYR2 protein function with a positive predictive value of 95%. In summary, the available evidence is currently insufficient to determine the role of this variant in disease. Therefore, it has been classified as a Variant of Uncertain Significance.

GeneDx
Classification: Uncertain significance. Last evaluated: 2025-06-10. Review status: criteria provided, single submitter. Criteria: GeneDx Variant Classification Process June 2021. Collection method: clinical testing. Allele origin: germline. Affected: yes.
Comment: Not observed at significant frequency in large population cohorts (gnomAD); In silico analysis supports that this missense variant has a deleterious effect on protein structure/function; Has not been previously published as pathogenic or benign to our knowledge

Color Diagnostics, LLC DBA Color Health
Classification: Uncertain significance for Cardiomyopathy. Last evaluated: 2024-03-06. Review status: criteria provided, single submitter. Criteria: ACMG Guidelines, 2015. Collection method: clinical testing. Allele origin: germline.
Comment: This missense variant replaces leucine with serine at codon 2676 of the RYR2 protein. Computational prediction suggests that this variant may have deleterious impact on protein structure and function (internally defined REVEL score threshold >= 0.7, PMID: 27666373). To our knowledge, functional studies have not been reported for this variant. This variant has not been reported in individuals affected with cardiovascular disorders in the literature. This variant has been identified in 1/242718 chromosomes in the general population by the Genome Aggregation Database (gnomAD). The available evidence is insufficient to determine the role of this variant in disease conclusively. Therefore, this variant is classified as a Variant of Uncertain Significance.

All of Us Research Program, National Institutes of Health
Classification: Uncertain significance for Catecholaminergic polymorphic ventricular tachycardia. Last evaluated: 2023-04-03. Review status: criteria provided, single submitter. Criteria: ACMG Guidelines, 2015. Collection method: clinical testing. Allele origin: germline. Inheritance: Autosomal dominant inheritance. Observed: 3 variant alleles, 3 heterozygotes.
Comment: This missense variant replaces leucine with serine at codon 2676 of the RYR2 protein. Computational prediction suggests that this variant may have deleterious impact on protein structure and function (internally defined REVEL score threshold >= 0.7, PMID: 27666373). To our knowledge, functional studies have not been reported for this variant. This variant has not been reported in individuals affected with cardiovascular disorders in the literature. This variant has been identified in 1/242718 chromosomes in the general population by the Genome Aggregation Database (gnomAD). The available evidence is insufficient to determine the role of this variant in disease conclusively. Therefore, this variant is classified as a Variant of Uncertain Significance.

This study involves interpretation of variants in research participants for the purpose of population health screening. Participant phenotype was not available at the time of variant classification. Additional details can be found in publication PMID: 35346344, PMCID: PMC8962531

NM_001035.3(RYR2):c.8027T>C (p.Leu2676Ser)

Gene: RYR2 (ryanodine receptor 2; plus strand). Cytogenetic location: 1q43.
Variant type: single nucleotide variant.
Coding change: c.8027T>C on transcript NM_001035.3 (MANE Select); coding-DNA position 8027, T replaced by C.
Protein change: p.Leu2676Ser; replaces leucine 2676 with serine.
Molecular consequence: missense variant.
Genome position (GRCh38, 1-based): chr1:237,655,882, T>C. VCF-style: chr1-237655882-T-C. GRCh37 (hg19) VCF-style: chr1-237819182-T-C.
Other names: short protein forms L2676S.
Identifiers: ClinVar variation 834415 (VCV000834415.19), dbSNP rs1338788038, ClinGen allele CA345400855.